The following is an entry in ClinVar:

NM_000036.3(AMPD1):c.1276C>G (p.Leu426Val)

Gene: AMPD1 (adenosine monophosphate deaminase 1; minus strand). Cytogenetic location: 1p13.2.
Variant type: single nucleotide variant.
Coding change: c.1276C>G on transcript NM_000036.3 (MANE Select); coding-DNA position 1276, C replaced by G.
Protein change: p.Leu426Val; replaces leucine 426 with valine.
Molecular consequence: missense variant.
Genome position (GRCh38, 1-based): chr1:114,677,463, G>C on the plus strand (C>G on the coding strand, the complement: AMPD1 is on the minus strand). VCF-style: chr1-114677463-G-C. GRCh37 (hg19) VCF-style: chr1-115220084-G-C.
Other names: c.1264C>G, p.Leu422Val (NM_001172626.2); short protein forms L426V, L422V.
Identifiers: ClinVar variation 1367199 (VCV001367199.6), dbSNP rs1658021879, ClinGen allele CA341748657.

ClinVar aggregate classification (germline): Uncertain significance (1 of 4 stars; one submission).

Conditions:
Muscle AMP deaminase deficiency (MMDD). Also called: ADENOSINE MONOPHOSPHATE DEAMINASE-1 DEFICIENCY, MYOPATHY DUE TO; AMPD1 DEFICIENCY; Myoadenylate deaminase deficiency, myopathy due to; Adenosine monophosphate deaminase 1 deficiency; AMP deaminase 1 deficiency; Adenosine Monophosphate Deaminase 1. Identifiers: Orphanet 45, MedGen C3714933, MONDO:0014220, OMIM 615511.

Allele frequency attached by ClinVar (database versions not stated): gnomAD exomes below 0.00001; TOPMed below 0.00001.
gnomAD v4.1: 2 of 1,613,282 alleles (0.00012%); highest among the groups gnomAD compares: East Asian, 0.0022%; no homozygotes.

Submission:

Labcorp Genetics (formerly Invitae), Labcorp
Classification: Uncertain significance for Muscle AMP deaminase deficiency. Last evaluated: 2024-03-11. Review status: criteria provided, single submitter. Criteria: Invitae Variant Classification Sherloc (09022015). Collection method: clinical testing. Allele origin: germline.
Comment: This sequence change replaces leucine, which is neutral and non-polar, with valine, which is neutral and non-polar, at codon 459 of the AMPD1 protein (p.Leu459Val). This variant is not present in population databases (gnomAD no frequency). This variant has not been reported in the literature in individuals affected with AMPD1-related conditions. ClinVar contains an entry for this variant (Variation ID: 1367199). An algorithm developed to predict the effect of missense changes on protein structure and function (PolyPhen-2) suggests that this variant is likely to be disruptive. In summary, the available evidence is currently insufficient to determine the role of this variant in disease. Therefore, it has been classified as a Variant of Uncertain Significance.